The following is an entry in ClinVar:

ClinVar aggregate classification (germline): Uncertain significance (1 of 4 stars; one submission).

Conditions:
RYR1-related disorder. Also called: RYR1-related condition; RYR1-related disorders. Identifiers: MedGen CN239331.

Allele frequency attached by ClinVar (database versions not stated): gnomAD exomes below 0.00001.
gnomAD v4.1: 1 of 1,614,100 alleles (0.000062%); highest among the groups gnomAD compares: Non-Finnish European, 0.000085%; no homozygotes.

Submission:

Labcorp Genetics (formerly Invitae), Labcorp
Classification: Uncertain significance for RYR1-related disorder. Last evaluated: 2022-03-24. Review status: criteria provided, single submitter. Criteria: Invitae Variant Classification Sherloc (09022015). Collection method: clinical testing. Allele origin: germline.
Comment: In summary, the available evidence is currently insufficient to determine the role of this variant in disease. Therefore, it has been classified as a Variant of Uncertain Significance. Advanced modeling of protein sequence and biophysical properties (such as structural, functional, and spatial information, amino acid conservation, physicochemical variation, residue mobility, and thermodynamic stability) performed at Invitae indicates that this missense variant is not expected to disrupt RYR1 protein function. This variant has not been reported in the literature in individuals affected with RYR1-related conditions. This variant is not present in population databases (gnomAD no frequency). This sequence change replaces glycine, which is neutral and non-polar, with serine, which is neutral and polar, at codon 4794 of the RYR1 protein (p.Gly4794Ser).

NM_000540.3(RYR1):c.14380G>A (p.Gly4794Ser)

Gene: RYR1 (ryanodine receptor 1; plus strand). Cytogenetic location: 19q13.2.
Variant type: single nucleotide variant.
Coding change: c.14380G>A on transcript NM_000540.3 (MANE Select); coding-DNA position 14380, G replaced by A.
Protein change: p.Gly4794Ser; replaces glycine 4794 with serine.
Molecular consequence: missense variant.
Genome position (GRCh38, 1-based): chr19:38,579,997, G>A. VCF-style: chr19-38579997-G-A. GRCh37 (hg19) VCF-style: chr19-39070637-G-A.
Other names: c.14365G>A, p.Gly4789Ser (NM_001042723.2); short protein forms G4794S, G4789S.
Identifiers: ClinVar variation 1525591 (VCV001525591.6), dbSNP rs2145894853, ClinGen allele CA405686852.
Genomic context (GRCh38, chr19:38,579,997, plus strand): 5'-TGTGTCCCTGCCTTCCCCCTGACCCCTGGCCCTGTGTGCCCACAGTCCTTCCTGTACCTG[G>A]GCTGGTATATGGTGATGTCCCTCTTGGGACACTACAACAACTTCTTCTTTGCTGCCCATC-3'
Protein context (NP_000531.2, residues 4784-4804): IFTDNSFLYL[Gly4794Ser]WYMVMSLLGH